The following is an entry in ClinVar:

NM_006516.4(SLC2A1):c.1370G>C (p.Gly457Ala)

Gene: SLC2A1 (solute carrier family 2 member 1; minus strand). Cytogenetic location: 1p34.2.
Variant type: single nucleotide variant.
Coding change: c.1370G>C on transcript NM_006516.4 (MANE Select); coding-DNA position 1370, G replaced by C.
Protein change: p.Gly457Ala; replaces glycine 457 with alanine.
Molecular consequence: missense variant.
Genome position (GRCh38, 1-based): chr1:42,927,150, C>G on the plus strand (G>C on the coding strand, the complement: SLC2A1 is on the minus strand). VCF-style: chr1-42927150-C-G. GRCh37 (hg19) VCF-style: chr1-43392821-C-G.
Other names: short protein forms G457A.
Identifiers: ClinVar variation 3361543 (VCV003361543.4).

ClinVar aggregate classification (germline): Uncertain significance. Review status: criteria provided, multiple submitters, no conflicts (2 of 4 stars). 2 submissions from 2 submitters: Uncertain significance (2). Last evaluated 2026-03-24.

Conditions:
GLUT1 deficiency syndrome 1, autosomal recessive. Identifiers: MedGen C3149117.

gnomAD v4.1: 1 of 1,614,102 alleles (0.000062%); highest among the groups gnomAD compares: Non-Finnish European, 0.000085%; no homozygotes.

Submissions (2):

GeneDx
Classification: Uncertain significance. Last evaluated: 2026-03-24. Review status: criteria provided, single submitter. Criteria: GeneDx Variant Classification Process June 2021. Collection method: clinical testing. Allele origin: germline.
Comment: Not observed at significant frequency in large population cohorts (gnomAD); In silico analysis supports that this missense variant has a deleterious effect on protein structure/function; Has not been previously published as pathogenic or benign to our knowledge

Labcorp Genetics (formerly Invitae), Labcorp
Classification: Uncertain significance for GLUT1 deficiency syndrome 1, autosomal recessive. Last evaluated: 2025-11-03. Review status: criteria provided, single submitter. Criteria: Invitae Variant Classification Sherloc (09022015). Collection method: clinical testing. Allele origin: germline.
Comment: This sequence change replaces glycine, which is neutral and non-polar, with alanine, which is neutral and non-polar, at codon 457 of the SLC2A1 protein (p.Gly457Ala). This variant is not present in population databases (gnomAD no frequency). This variant has not been reported in the literature in individuals affected with SLC2A1-related conditions. ClinVar contains an entry for this variant (Variation ID: 3361543). Invitae Evidence Modeling of protein sequence and biophysical properties (such as structural, functional, and spatial information, amino acid conservation, physicochemical variation, residue mobility, and thermodynamic stability) indicates that this missense variant is expected to disrupt SLC2A1 protein function with a positive predictive value of 95%. In summary, the available evidence is currently insufficient to determine the role of this variant in disease. Therefore, it has been classified as a Variant of Uncertain Significance.